The following is an entry in ClinVar:

NM_001372044.2(SHANK3):c.4211C>T (p.Ser1404Leu)

Gene: SHANK3 (SH3 and multiple ankyrin repeat domains 3; plus strand). Cytogenetic location: 22q13.33.
Variant type: single nucleotide variant.
Coding change: c.4211C>T on transcript NM_001372044.2 (MANE Select); coding-DNA position 4211, C replaced by T.
Protein change: p.Ser1404Leu; replaces serine 1404 with leucine.
Molecular consequence: missense variant.
Genome position (GRCh38, 1-based): chr22:50,721,819, C>T. VCF-style: chr22-50721819-C-T. GRCh37 (hg19) VCF-style: chr22-51160247-C-T.
Other names: NM_001080420.1:c.4034C>T; c.3986C>T (NM_033517.1); short protein forms S1404L.
Identifiers: ClinVar variation 1336998 (VCV001336998.7), dbSNP rs1464985103, ClinGen allele CA515263595.

ClinVar aggregate classification (germline): Conflicting classifications of pathogenicity. Review status: criteria provided, conflicting classifications (1 of 4 stars). 3 submissions from 3 submitters: Uncertain significance (1); Likely benign (1). 1 of the submissions does not count toward it. Last evaluated 2024-03-16.

Conditions:
Inborn genetic diseases. Identifiers: MedGen C0950123, MeSH D030342.
SHANK3-related disorder. Also called: SHANK3-related condition.

Allele frequency attached by ClinVar (database versions not stated): TOPMed below 0.00001; gnomAD 0.00001; gnomAD exomes 0.00001 and 0.00002.

Submissions (3):

Ambry Genetics
Classification: Uncertain significance for Inborn genetic diseases. Last evaluated: 2024-03-16. Review status: criteria provided, single submitter. Criteria: Ambry Variant Classification Scheme 2023. Collection method: clinical testing. Allele origin: germline.

Genetic Services Laboratory, University of Chicago
Classification: Likely benign. Last evaluated: 2019-04-11. Review status: criteria provided, single submitter. Criteria: ACMG Guidelines, 2015. Collection method: clinical testing. Allele origin: germline. Affected: no.

PreventionGenetics, part of Exact Sciences
Classification: Uncertain significance for SHANK3-related condition. Last evaluated: 2024-01-23. Review status: no assertion criteria provided. Collection method: clinical testing. Allele origin: germline. Not counted in ClinVar's aggregate classification.
Comment: The SHANK3 c.3986C>T variant is predicted to result in the amino acid substitution p.Ser1329Leu. To our knowledge, this variant has not been reported in the literature. This variant is reported in 0.015% of alleles in individuals of East Asian descent in gnomAD. Although we suspect that this variant may be benign, at this time, the clinical significance of this variant is uncertain due to the absence of conclusive functional and genetic evidence.